The following is an entry in ClinVar:

NM_006907.4(PYCR1):c.-28G>A

Gene: PYCR1 (pyrroline-5-carboxylate reductase 1; minus strand). Cytogenetic location: 17q25.3.
Variant type: single nucleotide variant.
Coding change: c.-28G>A on transcript NM_006907.4 (MANE Select); 28 bases upstream of the start codon, G replaced by A.
Molecular consequence: 5 prime UTR variant. On other transcripts: synonymous variant (1).
Genome position (GRCh38, 1-based): chr17:81,936,842, C>T on the plus strand (G>A on the coding strand, the complement: PYCR1 is on the minus strand). VCF-style: chr17-81936842-C-T. GRCh37 (hg19) VCF-style: chr17-79894718-C-T.
Other names: c.-28G>A (NM_001282279.2, NM_001282280.2, NM_001330523.2 and 1 more transcripts); c.54G>A, p.Gly18= (NM_001282281.2).
Identifiers: ClinVar variation 2648474 (VCV002648474.24), dbSNP rs769150356, ClinGen allele CA8845623.

ClinVar aggregate classification (germline): Likely benign (1 of 4 stars; one submission).

Allele frequency attached by ClinVar (database versions not stated): gnomAD exomes below 0.00001; ExAC 0.00002.
gnomAD v4.1: 5 of 1,598,260 alleles (0.00031%); highest among the groups gnomAD compares: Non-Finnish European, 0.00017%; no homozygotes.

Submission:

CeGaT Center for Human Genetics Tuebingen
Classification: Likely benign. Last evaluated: 2022-12-01. Review status: criteria provided, single submitter. Criteria: CeGaT Center For Human Genetics Tuebingen Variant Classification Criteria Version 2. Collection method: clinical testing. Allele origin: germline. Affected: yes. Observed: 1 variant allele.
Comment: PYCR1: BP4, BP7